The following is an entry in ClinVar:

NM_000188.3(HK1):c.530C>T (p.Ala177Val)

Gene: HK1 (hexokinase 1; plus strand). Cytogenetic location: 10q22.1.
Variant type: single nucleotide variant.
Coding change: c.530C>T on transcript NM_000188.3 (MANE Select); coding-DNA position 530, C replaced by T.
Protein change: p.Ala177Val; replaces alanine 177 with valine.
Molecular consequence: missense variant. On other transcripts: intron variant (1).
Genome position (GRCh38, 1-based): chr10:69,368,570, C>T. VCF-style: chr10-69368570-C-T. GRCh37 (hg19) VCF-style: chr10-71128326-C-T.
Other names: c.542C>T, p.Ala181Val (NM_001322364.2, NM_001358263.1, NM_033497.3 and 1 more transcripts); c.635C>T, p.Ala212Val (NM_001322365.2); c.446C>T, p.Ala149Val (NM_001322366.1); c.527C>T, p.Ala176Val (NM_033496.3); c.494C>T, p.Ala165Val (NM_033500.2); c.496-667C>T (NM_001322367.1); short protein forms A165V, A181V, A149V, A176V, A177V, A212V.
Identifiers: ClinVar variation 839495 (VCV000839495.12), dbSNP rs776236276, ClinGen allele CA5532359.

ClinVar aggregate classification (germline): Conflicting classifications of pathogenicity. Review status: criteria provided, conflicting classifications (1 of 4 stars). 5 submissions from 5 submitters: Uncertain significance (4); Likely benign (1). Last evaluated 2025-12-16.

Conditions:
Inborn genetic diseases. Identifiers: MedGen C0950123, MeSH D030342.

Allele frequency attached by ClinVar (database versions not stated): gnomAD 0.00001; gnomAD exomes 0.00003 and 0.00014; ExAC 0.00007; TOPMed 0.00012.
gnomAD v4.1: 52 of 1,614,064 alleles (0.0032%); highest among the groups gnomAD compares: Admixed American, 0.06%; no homozygotes.

Submissions (5):

Labcorp Genetics (formerly Invitae), Labcorp
Classification: Uncertain significance. Last evaluated: 2025-12-16. Review status: criteria provided, single submitter. Criteria: Invitae Variant Classification Sherloc (09022015). Collection method: clinical testing. Allele origin: germline.
Comment: This sequence change replaces alanine, which is neutral and non-polar, with valine, which is neutral and non-polar, at codon 177 of the HK1 protein (p.Ala177Val). This variant is present in population databases (rs776236276, gnomAD 0.09%). This variant has not been reported in the literature in individuals affected with HK1-related conditions. ClinVar contains an entry for this variant (Variation ID: 839495). Invitae Evidence Modeling of protein sequence and biophysical properties (such as structural, functional, and spatial information, amino acid conservation, physicochemical variation, residue mobility, and thermodynamic stability) indicates that this missense variant is not expected to disrupt HK1 protein function with a negative predictive value of 80%. In summary, the available evidence is currently insufficient to determine the role of this variant in disease. Therefore, it has been classified as a Variant of Uncertain Significance.

Women's Health and Genetics/Laboratory Corporation of America, LabCorp
Classification: Uncertain significance. Last evaluated: 2025-05-27. Review status: criteria provided, single submitter. Criteria: LabCorp Variant Classification Summary - May 2015. Collection method: clinical testing. Allele origin: germline.
Comment: Variant summary: HK1 c.530C>T (p.Ala177Val) results in a non-conservative amino acid change in the encoded protein sequence. Algorithms developed to predict the effect of missense changes on protein structure and function all suggest that this variant is likely to be disruptive. The variant allele was found at a frequency of 0.00014 in 251476 control chromosomes. This frequency is not significantly higher than estimated for a pathogenic variant in HK1 causing Hemolytic anemia due to hexokinase deficiency (0.00014 vs 0.0011), allowing no conclusion about variant significance. To our knowledge, no occurrence of c.530C>T in individuals affected with Hemolytic anemia due to hexokinase deficiency and no experimental evidence demonstrating its impact on protein function have been reported. ClinVar contains an entry for this variant (Variation ID: 839495). Based on the evidence outlined above, the variant was classified as uncertain significance.

Revvity Omics, Revvity
Classification: Uncertain significance. Last evaluated: 2024-03-04. Review status: criteria provided, single submitter. Criteria: ACMG Guidelines, 2015. Collection method: clinical testing. Allele origin: germline.

Ambry Genetics
Classification: Uncertain significance for Inborn genetic diseases. Last evaluated: 2023-03-24. Review status: criteria provided, single submitter. Criteria: Ambry Variant Classification Scheme 2023. Collection method: clinical testing. Allele origin: germline.

Blueprint Genetics
Classification: Likely benign. Last evaluated: 2019-08-27. Review status: criteria provided, single submitter. Criteria: ACMG Guidelines, 2015. Collection method: clinical testing. Allele origin: germline.